The following is an entry in ClinVar:

NM_006231.4(POLE):c.2711G>T (p.Gly904Val)

Gene: POLE (DNA polymerase epsilon, catalytic subunit; minus strand). Cytogenetic location: 12q24.33.
Variant type: single nucleotide variant.
Coding change: c.2711G>T on transcript NM_006231.4 (MANE Select); coding-DNA position 2711, G replaced by T.
Protein change: p.Gly904Val; replaces glycine 904 with valine.
Molecular consequence: missense variant.
Genome position (GRCh38, 1-based): chr12:132,661,680, C>A on the plus strand (G>T on the coding strand, the complement: POLE is on the minus strand). VCF-style: chr12-132661680-C-A. GRCh37 (hg19) VCF-style: chr12-133238266-C-A.
Other names: c.2711G>T (NM_006231.2); short protein forms G904V.
Identifiers: ClinVar variation 576749 (VCV000576749.9), dbSNP rs1332965505, ClinGen allele CA387394064.

ClinVar aggregate classification (germline): Uncertain significance. Review status: criteria provided, multiple submitters, no conflicts (2 of 4 stars). 2 submissions from 2 submitters: Uncertain significance (2). Last evaluated 2025-03-23.

Conditions:
Hereditary cancer-predisposing syndrome. Also called: Tumor predisposition; Hereditary neoplastic syndrome; Hereditary Cancer Syndrome; Neoplastic Syndromes, Hereditary. Identifiers: Orphanet 140162, MedGen C0027672, MeSH D009386, MONDO:0015356.

gnomAD v4.1: 3 of 1,613,600 alleles (0.00019%); highest among the groups gnomAD compares: South Asian, 0.0011%; no homozygotes.

Submissions (2):

Labcorp Genetics (formerly Invitae), Labcorp
Classification: Uncertain significance. Last evaluated: 2025-03-23. Review status: criteria provided, single submitter. Criteria: Invitae Variant Classification Sherloc (09022015). Collection method: clinical testing. Allele origin: germline.
Comment: This sequence change replaces glycine, which is neutral and non-polar, with valine, which is neutral and non-polar, at codon 904 of the POLE protein (p.Gly904Val). This variant is not present in population databases (gnomAD no frequency). This variant has not been reported in the literature in individuals affected with POLE-related conditions. ClinVar contains an entry for this variant (Variation ID: 576749). Invitae Evidence Modeling of protein sequence and biophysical properties (such as structural, functional, and spatial information, amino acid conservation, physicochemical variation, residue mobility, and thermodynamic stability) indicates that this missense variant is not expected to disrupt POLE protein function with a negative predictive value of 80%. In summary, the available evidence is currently insufficient to determine the role of this variant in disease. Therefore, it has been classified as a Variant of Uncertain Significance.

Ambry Genetics
Classification: Uncertain significance for Hereditary cancer-predisposing syndrome. Last evaluated: 2025-02-11. Review status: criteria provided, single submitter. Criteria: Ambry Variant Classification Scheme 2023. Collection method: clinical testing. Allele origin: germline.